The following is an entry in ClinVar:

NM_002078.5(GOLGA4):c.6174A>T (p.Arg2058Ser)

Gene: GOLGA4 (golgin A4; plus strand). Cytogenetic location: 3p22.2.
Variant type: single nucleotide variant.
Coding change: c.6174A>T on transcript NM_002078.5 (MANE Select); coding-DNA position 6174, A replaced by T.
Protein change: p.Arg2058Ser; replaces arginine 2058 with serine.
Molecular consequence: missense variant.
Genome position (GRCh38, 1-based): chr3:37,329,075, A>T. VCF-style: chr3-37329075-A-T. GRCh37 (hg19) VCF-style: chr3-37370566-A-T.
Other names: c.6240A>T, p.Arg2080Ser (NM_001172713.3, NM_001410721.2, NM_001429191.1); c.6291A>T, p.Arg2097Ser (NM_001429190.1); c.6126A>T, p.Arg2042Ser (NM_001429193.1); c.6192A>T, p.Arg2064Ser (NM_001429196.1, NM_001429198.1); c.6174A>T, p.Arg2058Ser (NM_001429201.1); c.6135A>T, p.Arg2045Ser (NM_001429202.1); short protein forms R2080S, R2058S, R2042S, R2045S, R2064S, R2097S.
Identifiers: ClinVar variation 156204 (VCV000156204.8), dbSNP rs11924014, ClinGen allele CA249819.
Genomic context (GRCh38, chr3:37,329,075, plus strand): 5'-AAATCAGTTACTTAAAAAAATTGCTGAGAAAGATGATGATCTAAAACGAACAGCCAAAAG[A>T]TATGAAGAAATCCTTGATGTTTGTACCTTATTTCTTCTCTCTCACTTTTGAAATTTAGCT-3'
Protein context (NP_002069.2, residues 2048-2068): KDDDLKRTAK[Arg2058Ser]YEEILDAREE

ClinVar aggregate classification (germline): Benign. Review status: criteria provided, multiple submitters, no conflicts (2 of 4 stars). 3 submissions from 3 submitters: Benign (2). 1 of the submissions does not count toward it. Last evaluated 2018-01-12.

Allele frequency attached by ClinVar (database versions not stated): gnomAD exomes 0.00556 and 0.00673; ExAC 0.00700; ESP Exome Variant Server 0.00761; gnomAD 0.00763 and 0.00793; TOPMed 0.00799; 1000 Genomes Project 0.00938; 1000 Genomes Project 30x 0.01015.
gnomAD v4.1: 9,326 of 1,606,642 alleles (0.58%); highest among the groups gnomAD compares: Middle Eastern, 3.5%; 98 homozygotes.

Submissions (3):

Labcorp Genetics (formerly Invitae), Labcorp
Classification: Benign. Last evaluated: 2018-01-12. Review status: criteria provided, single submitter. Criteria: Invitae Variant Classification Sherloc (09022015). Collection method: clinical testing. Allele origin: germline.

Breakthrough Genomics
Classification: Benign. Review status: criteria provided, single submitter. Criteria: ACMG Guidelines, 2015. Collection method: not provided. Allele origin: germline. Inheritance: Unknown mechanism. Affected: yes.

Genomic Research Center, Shahid Beheshti University of Medical Sciences
No classification provided. Review status: no classification provided. Collection method: not provided. Allele origin: somatic. Not counted in ClinVar's aggregate classification.
ClinVar note: Converted during submission from untested to not provided.